The following is an entry in ClinVar:

ClinVar aggregate classification (germline): Pathogenic (1 of 4 stars; one submission).

Conditions:
Early-infantile DEE. Also called: Early infantile epileptic encephalopathy with suppression bursts; Early infantile epileptic encephalopathy; Ohtahara syndrome. Identifiers: Orphanet 1934, MedGen C0393706, MONDO:0800491.

Submission:

Labcorp Genetics (formerly Invitae), Labcorp
Classification: Pathogenic for Early-infantile DEE. Last evaluated: 2025-06-17. Review status: criteria provided, single submitter. Criteria: Invitae Variant Classification Sherloc (09022015). Collection method: clinical testing. Allele origin: germline.
Comment: This sequence change creates a premature translational stop signal (p.Arg1874Leufs*7) in the SCN1A gene. While this is not anticipated to result in nonsense mediated decay, it is expected to disrupt the last 136 amino acid(s) of the SCN1A protein. This variant is not present in population databases (gnomAD no frequency). This variant has not been reported in the literature in individuals affected with SCN1A-related conditions. Algorithms developed to predict the effect of sequence changes on RNA splicing suggest that this variant may create or strengthen a splice site. This variant disrupts a region of the SCN1A protein in which other variant(s) (p.Arg1988Trp) have been determined to be pathogenic (PMID: 23708187; internal data). This suggests that this is a clinically significant region of the protein, and that variants that disrupt it are likely to be disease-causing. For these reasons, this variant has been classified as Pathogenic.

Literature cited by the submitters: PubMed 23708187.

NM_001165963.4(SCN1A):c.5610_5620dup (p.Arg1874fs)

Genes: SCN1A (sodium voltage-gated channel alpha subunit 1; minus strand), LOC102724058 (uncharacterized LOC102724058; plus strand). Cytogenetic location: 2q24.3.
Variant type: Duplication.
Coding change: c.5610_5620dup on transcript NM_001165963.4 (MANE Select); coding-DNA positions 5610 to 5620, 11 bases duplicated (TTTTACAAAGC).
Protein change: p.Arg1874fs; shifts the reading frame from arginine 1874.
Molecular consequence: frameshift variant. On other transcripts: non-coding transcript variant (1).
Genome position (GRCh38, 1-based): chr2:165,991,655-165,991,665, GCTTTGTAAAA duplicated on the plus strand (TTTTACAAAGC on the coding strand, the reverse complement: SCN1A is on the minus strand); duplicating any 11 consecutive bases within chr2:165,991,655-165,991,667 gives the same sequence; the c. name uses the placement nearest the transcript's 3' end. VCF-style (leftmost placement, unchanged base first): chr2-165991654-C-CGCTTTGTAAAA. GRCh37 (hg19) VCF-style: chr2-166848164-C-CGCTTTGTAAAA.
Other names: c.5526_5536dup, p.Arg1846fs (NM_001165964.3, NM_001353957.2, NM_001353958.2); c.5610_5620dup, p.Arg1874fs (NM_001202435.3, NM_001353948.2); c.5577_5587dup, p.Arg1863fs (NM_001353949.2, NM_001353950.2, NM_001353951.2 and 2 more transcripts); c.5574_5584dup, p.Arg1862fs (NM_001353954.2, NM_001353955.2); c.5523_5533dup, p.Arg1845fs (NM_001353960.2); c.3168_3178dup, p.Arg1060fs (NM_001353961.2); short protein forms R1060fs, R1846fs, R1862fs, R1874fs, R1863fs, R1845fs.
Identifiers: ClinVar variation 4721016 (VCV004721016.1).